The following is an entry in ClinVar:

ClinVar aggregate classification (germline): Uncertain significance. Review status: criteria provided, multiple submitters, no conflicts (2 of 4 stars). 2 submissions from 2 submitters: Uncertain significance (2). Last evaluated 2025-09-16.

Conditions:
Developmental delay, impaired speech, and behavioral abnormalities, with or without seizures (DEDISB). Identifiers: MedGen C5575272, MONDO:0859263, OMIM 619964.

Submissions (2):

Dasa
Classification: Uncertain significance. Last evaluated: 2025-09-16. Review status: criteria provided, single submitter. Criteria: DASA Assertion Criteria. Collection method: clinical testing. Allele origin: germline.
Comment: NM_006421.5(ARFGEF1):c.2699-3C>T is a splice-region variant. This variant is absent from population databases. Computational prediction algorithms are consistent with a benign effect. The currently available literature and clinical evidence are not sufficient to establish a definitive association between this variant and the reported condition. Therefore, this variant is classified as a variant of uncertain significance.

Laboratorio de Genetica e Diagnostico Molecular, Hospital Israelita Albert Einstein
Classification: Uncertain significance for Developmental delay, impaired speech, and behavioral abnormalities, with or without seizures. Last evaluated: 2024-09-09. Review status: criteria provided, single submitter. Criteria: ACMG Guidelines, 2015. Collection method: clinical testing. Allele origin: germline. Affected: yes.
Comment: ACMG classification criteria: PM2 supporting, BP4 supporting

NM_006421.5(ARFGEF1):c.2699-3C>T

Gene: ARFGEF1 (ARF guanine nucleotide exchange factor 1; minus strand). Cytogenetic location: 8q13.2.
Variant type: single nucleotide variant.
Coding change: c.2699-3C>T on transcript NM_006421.5 (MANE Select); 3 bases into the intron before coding-DNA position 2699, C replaced by T.
Molecular consequence: intron variant.
Genome position (GRCh38, 1-based): chr8:67,251,453, G>A on the plus strand (C>T on the coding strand, the complement: ARFGEF1 is on the minus strand). VCF-style: chr8-67251453-G-A. GRCh37 (hg19) VCF-style: chr8-68163688-G-A.
Other names: c.2699-3C>T (NM_001413186.1, NM_001413187.1, NM_001413185.1 and 6 more transcripts); c.2099-3C>T (NM_001413188.1, NM_001413197.1, NM_001413193.1); c.1274-3C>T (NM_001413196.1); c.2699-9C>T (NM_001413190.1).
Identifiers: ClinVar variation 3901059 (VCV003901059.3).
Genomic context (GRCh38, chr8:67,251,453, plus strand): 5'-GCCATCTGCTCCATTTCTAAGTTATACAGAAGTCTTCTTTGTTTTTCACTGGCTACATCT[G>A]AAACAATAAACACTATCAGCATTTTAAATATAAAACATTTAAGAATTCTATTTTGATATT-3'